The following is an entry in ClinVar:

ClinVar aggregate classification (germline): Conflicting classifications of pathogenicity. Review status: criteria provided, conflicting classifications (1 of 4 stars). 3 submissions from 3 submitters: Uncertain significance (1); Likely benign (2). Last evaluated 2026-01-31.

Conditions:
Cohen syndrome (COH1). Also called: PEPPER SYNDROME; Cutis verticis gyrata, retinitis pigmentosa, and sensorineural deafness. Identifiers: Orphanet 193, MedGen C0265223, MONDO:0008999, OMIM 216550.

Allele frequency attached by ClinVar (database versions not stated): TOPMed 0.00015; gnomAD 0.00018 and 0.00019; ESP Exome Variant Server 0.00031.
gnomAD v4.1: 808 of 1,608,852 alleles (0.05%); highest among the groups gnomAD compares: Non-Finnish European, 0.066%; 1 homozygote.

Submissions (4):

Labcorp Genetics (formerly Invitae), Labcorp
Classification: Likely benign for Cohen syndrome. Last evaluated: 2026-01-31. Review status: criteria provided, single submitter. Criteria: Invitae Variant Classification Sherloc (09022015). Collection method: clinical testing. Allele origin: germline.

Blueprint Genetics
Classification: Likely benign. Last evaluated: 2024-08-12. Review status: criteria provided, single submitter. Criteria: ACMG Guidelines, 2015. Collection method: clinical testing. Allele origin: germline.

GeneDx
Classification: Uncertain significance. Last evaluated: 2020-12-07. Review status: criteria provided, single submitter. Criteria: GeneDx Variant Classification Process June 2021. Collection method: clinical testing. Allele origin: germline. Affected: yes.
Comment: Has not been previously published as pathogenic or benign to our knowledge; In-silico analysis, which includes splice predictors and evolutionary conservation, is inconclusive as to whether the variant alters gene splicing. In the absence of RNA/functional studies, the actual effect of this sequence change is unknown.

Dr. Peter K. Rogan Lab, Western University
No classification provided (evidence only). Condition: Chronic lymphocytic leukemia/small lymphocytic lymphoma. Review status: no classification provided. Collection method: in vitro. Allele origin: not applicable. Functional consequence: retained intron. Not counted in ClinVar's aggregate classification.

NM_152564.5(VPS13B):c.6658-13T>A

Gene: VPS13B (vacuolar protein sorting 13 homolog B; plus strand). Cytogenetic location: 8q22.2.
Variant type: single nucleotide variant.
Coding change: c.6658-13T>A on transcript NM_152564.5 (MANE Select); 13 bases into the intron before coding-DNA position 6658, T replaced by A.
Molecular consequence: intron variant.
Genome position (GRCh38, 1-based): chr8:99,720,332, T>A. VCF-style: chr8-99720332-T-A. GRCh37 (hg19) VCF-style: chr8-100732560-T-A.
Other names: c.6733-13T>A (NM_017890.5).
Identifiers: ClinVar variation 1108203 (VCV001108203.12), dbSNP rs369117364, ClinGen allele CA4824067.